The following is an entry in ClinVar:

ClinVar aggregate classification (germline): Benign/Likely benign. Review status: criteria provided, multiple submitters, no conflicts (2 of 4 stars). 4 submissions from 4 submitters: Benign (1); Likely benign (2). 1 of the submissions does not count toward it. Last evaluated 2026-01-12.

Conditions:
Developmental and epileptic encephalopathy, 81. Also called: EPILEPTIC ENCEPHALOPATHY, EARLY INFANTILE, 81. Identifiers: MedGen C5231450, MONDO:0032858, OMIM 618663.
Hearing loss, autosomal dominant 71. Also called: DEAFNESS, AUTOSOMAL DOMINANT 71. Identifiers: MedGen C4539881, MONDO:0033258, OMIM 617605.
Polyendocrine-polyneuropathy syndrome (PEPNS). Identifiers: Orphanet 453533, MedGen C4015261, MONDO:0014497, OMIM 616113.
DMXL2-related disorder. Also called: DMXL2-related condition.

Submissions (5):

Labcorp Genetics (formerly Invitae), Labcorp
Classification: Benign. Last evaluated: 2026-01-12. Review status: criteria provided, single submitter. Criteria: Invitae Variant Classification Sherloc (09022015). Collection method: clinical testing. Allele origin: germline.

Blueprint Genetics
Classification: Likely benign. Last evaluated: 2024-10-09. Review status: criteria provided, single submitter. Criteria: ACMG Guidelines, 2015. Collection method: clinical testing. Allele origin: germline.

Fulgent Genetics
Classification: Likely benign for Polyendocrine-polyneuropathy syndrome; Hearing loss, autosomal dominant 71; Developmental and epileptic encephalopathy, 81. Last evaluated: 2021-08-03. Review status: criteria provided, single submitter. Criteria: ACMG Guidelines, 2015. Collection method: clinical testing. Allele origin: unknown.

PreventionGenetics, part of Exact Sciences
Classification: Likely benign for DMXL2-related condition. Last evaluated: 2024-01-03. Review status: no assertion criteria provided. Collection method: clinical testing. Allele origin: germline. Not counted in ClinVar's aggregate classification.
Comment: This variant is classified as likely benign based on ACMG/AMP sequence variant interpretation guidelines (Richards et al. 2015 PMID: 25741868, with internal and published modifications).

Dr. Peter K. Rogan Lab, Western University
No classification provided (evidence only). Condition: Gastric cancer. Review status: no classification provided. Collection method: in vitro. Allele origin: not applicable. Functional consequence: retained intron. Not counted in ClinVar's aggregate classification.

NM_001378457.1(DMXL2):c.7809-6del

Gene: DMXL2 (Dmx like 2; minus strand). Cytogenetic location: 15q21.2.
Variant type: Deletion.
Coding change: c.7809-6del on transcript NM_001378457.1 (MANE Select); 6 bases into the intron before coding-DNA position 7809, one base deleted (T; older notation c.7809-6delT).
Molecular consequence: intron variant.
Genome position (GRCh38, 1-based): chr15:51,463,502, A deleted on the plus strand (T on the coding strand, the reverse complement: DMXL2 is on the minus strand); the first of 8 consecutive A bases (chr15:51,463,502-51,463,509); deleting any one gives the same sequence. VCF-style (leftmost placement, unchanged base first): chr15-51463501-TA-T. GRCh37 (hg19) VCF-style: chr15-51755698-TA-T.
Other names: NC_000015.9:g.51755706del; c.7809-13del (NM_001378457.1); c.5787-6del (NM_001378460.1); c.5898-6del (NM_001174117.3); c.7806-6del (NM_015263.5, NM_001378458.1, NM_001378462.1); c.7521-6del (NM_001378459.1); c.7809-6del (NM_001174116.3, NM_001378461.1); c.7566-6del (NM_001378464.1); and 1 more.
Identifiers: ClinVar variation 715828 (VCV000715828.13), dbSNP rs746074258, ClinGen allele CA7561220.